The following is an entry in ClinVar:

ClinVar aggregate classification (germline): Uncertain significance. Review status: criteria provided, multiple submitters, no conflicts (2 of 4 stars). 4 submissions from 4 submitters: Uncertain significance (4). Last evaluated 2026-03-26.

Conditions:
CNGB1-related disorder. Also called: CNGB1-related condition.

Allele frequency attached by ClinVar (database versions not stated): gnomAD exomes 0.00005; gnomAD 0.00007; ESP Exome Variant Server 0.00008; TOPMed 0.00008; ExAC 0.00012.
gnomAD v4.1: 76 of 1,573,600 alleles (0.0048%); highest among the groups gnomAD compares: African/African-American, 0.013%; no homozygotes.

Submissions (4):

PreventionGenetics, part of Exact Sciences
Classification: Uncertain significance for CNGB1-related condition. Last evaluated: 2026-03-26. Review status: criteria provided, single submitter. Criteria: ACMG Guidelines, 2015. Collection method: clinical testing. Allele origin: germline.
Comment: The CNGB1 c.1187G>A variant is predicted to result in the amino acid substitution p.Arg396Gln. This variant has been reported in individuals with retinitis pigmentosa or retinal dystrophies along with a second CNGB1 variant, c.1801+5G>A (Table S1, Comander et al. 2017. PubMed ID: 28981474; Internal Data, PrevenetionGenetics); however, the phase of the variants was not investigated. This variant is reported in 0.010% of alleles in individuals of African descent in gnomAD. At this time, the clinical significance of this variant is uncertain due to the absence of conclusive functional and genetic evidence.

Labcorp Genetics (formerly Invitae), Labcorp
Classification: Uncertain significance. Last evaluated: 2025-07-03. Review status: criteria provided, single submitter. Criteria: Invitae Variant Classification Sherloc (09022015). Collection method: clinical testing. Allele origin: germline.
Comment: This sequence change replaces arginine, which is basic and polar, with glutamine, which is neutral and polar, at codon 396 of the CNGB1 protein (p.Arg396Gln). The frequency data for this variant in the population databases is considered unreliable, as metrics indicate poor data quality at this position in the gnomAD database. This missense change has been observed in individual(s) with retinitis pigmentosa (PMID: 28981474). ClinVar contains an entry for this variant (Variation ID: 2138256). Invitae Evidence Modeling of protein sequence and biophysical properties (such as structural, functional, and spatial information, amino acid conservation, physicochemical variation, residue mobility, and thermodynamic stability) indicates that this missense variant is not expected to disrupt CNGB1 protein function with a negative predictive value of 95%. In summary, the available evidence is currently insufficient to determine the role of this variant in disease. Therefore, it has been classified as a Variant of Uncertain Significance.

Blueprint Genetics
Classification: Uncertain significance. Last evaluated: 2024-11-25. Review status: criteria provided, single submitter. Criteria: ACMG Guidelines, 2015. Collection method: clinical testing. Allele origin: germline.

Women's Health and Genetics/Laboratory Corporation of America, LabCorp
Classification: Uncertain significance. Last evaluated: 2023-02-17. Review status: criteria provided, single submitter. Criteria: LabCorp Variant Classification Summary - May 2015. Collection method: clinical testing. Allele origin: germline.
Comment: Variant summary: CNGB1 c.1187G>A (p.Arg396Gln) results in a conservative amino acid change in the encoded protein sequence. Five of five in-silico tools predict a benign effect of the variant on protein function. The variant allele was found at a frequency of 4.3e-05 in 184868 control chromosomes (gnomAD). The available data on variant occurrences in the general population are insufficient to allow any conclusion about variant significance. c.1187G>A has been reported in the literature in individuals affected with Retinitis Pigmentosa (example: Comander_2017). These report(s) do not provide unequivocal conclusions about association of the variant with Retinitis Pigmentosa. To our knowledge, no experimental evidence demonstrating an impact on protein function has been reported. One clinical diagnostic laboratory has submitted clinical-significance assessments for this variant to ClinVar after 2014 and classified the variant as uncertain significance. Based on the evidence outlined above, the variant was classified as uncertain significance.

Literature cited by the submitters: PubMed 28981474 (cited by Labcorp Genetics (formerly Invitae), Labcorp and Women's Health and Genetics/Laboratory Corporation of America, LabCorp).

NM_001297.5(CNGB1):c.1187G>A (p.Arg396Gln)

Gene: CNGB1 (cyclic nucleotide gated channel subunit beta 1; minus strand). Cytogenetic location: 16q21.
Variant type: single nucleotide variant.
Coding change: c.1187G>A on transcript NM_001297.5 (MANE Select); coding-DNA position 1187, G replaced by A.
Protein change: p.Arg396Gln; replaces arginine 396 with glutamine.
Molecular consequence: missense variant.
Genome position (GRCh38, 1-based): chr16:57,940,256, C>T on the plus strand (G>A on the coding strand, the complement: CNGB1 is on the minus strand). VCF-style: chr16-57940256-C-T. GRCh37 (hg19) VCF-style: chr16-57974160-C-T.
Other names: c.1169G>A, p.Arg390Gln (NM_001286130.2); c.1187G>A (NM_001297.4); short protein forms R396Q, R390Q.
Identifiers: ClinVar variation 2138256 (VCV002138256.5), dbSNP rs370327030, ClinGen allele CA8083514.
Genomic context (GRCh38, chr16:57,940,256, plus strand): 5'-CAGGCCTCAGAGGTGCCAGTGCCTGGTGCTTCTCATACCTGATCTGAAGTGCTCTGGGGC[C>T]GGGTCCCGTCTTCTTCACTCTGGCCCACGCCCACCTGCGACACCACACAGCTATCCAGCA-3'
Protein context (NP_001288.3, residues 386-406): GVGQSEEDGT[Arg396Gln]PQSTSDQKLW